The following is an entry in ClinVar:

ClinVar aggregate classification (germline): Uncertain significance. Review status: criteria provided, multiple submitters, no conflicts (2 of 4 stars). 2 submissions from 2 submitters: Uncertain significance (2). Last evaluated 2024-06-26.

Allele frequency attached by ClinVar (database versions not stated): gnomAD exomes below 0.00001; TOPMed below 0.00001; gnomAD 0.00001.
gnomAD v4.1: 5 of 1,613,940 alleles (0.00031%); highest among the groups gnomAD compares: Non-Finnish European, 0.00017%; no homozygotes.

Submissions (2):

GeneDx
Classification: Uncertain significance. Last evaluated: 2024-06-26. Review status: criteria provided, single submitter. Criteria: GeneDx Variant Classification Process June 2021. Collection method: clinical testing. Allele origin: germline. Affected: yes.
Comment: Not observed at significant frequency in large population cohorts (gnomAD); In silico analysis supports that this missense variant has a deleterious effect on protein structure/function; Has not been previously published as pathogenic or benign to our knowledge

Labcorp Genetics (formerly Invitae), Labcorp
Classification: Uncertain significance. Last evaluated: 2019-12-11. Review status: criteria provided, single submitter. Criteria: Invitae Variant Classification Sherloc (09022015). Collection method: clinical testing. Allele origin: germline.
Comment: In summary, the available evidence is currently insufficient to determine the role of this variant in disease. Therefore, it has been classified as a Variant of Uncertain Significance. Algorithms developed to predict the effect of missense changes on protein structure and function are either unavailable or do not agree on the potential impact of this missense change (SIFT: "Tolerated"; PolyPhen-2: "Probably Damaging"; Align-GVGD: "Class C0"). This variant has not been reported in the literature in individuals with NSD1-related conditions. This variant is not present in population databases (ExAC no frequency). This sequence change replaces arginine with histidine at codon 2107 of the NSD1 protein (p.Arg2107His). The arginine residue is moderately conserved and there is a small physicochemical difference between arginine and histidine.

NM_022455.5(NSD1):c.6320G>A (p.Arg2107His)

Gene: NSD1 (nuclear receptor binding SET domain protein 1; plus strand). Cytogenetic location: 5q35.3.
Variant type: single nucleotide variant.
Coding change: c.6320G>A on transcript NM_022455.5 (MANE Select); coding-DNA position 6320, G replaced by A.
Protein change: p.Arg2107His; replaces arginine 2107 with histidine.
Molecular consequence: missense variant.
Genome position (GRCh38, 1-based): chr5:177,292,015, G>A. VCF-style: chr5-177292015-G-A. GRCh37 (hg19) VCF-style: chr5-176719016-G-A.
Other names: c.5447G>A, p.Arg1816His (NM_001365684.2, NM_001409308.1, NM_172349.5); c.6320G>A, p.Arg2107His (NM_001409301.1, NM_001409302.1, NM_001409303.1); c.5900G>A, p.Arg1967His (NM_001409304.1); c.5567G>A, p.Arg1856His (NM_001409305.1); c.5558G>A, p.Arg1853His (NM_001409306.1, NM_001409307.1); c.5198G>A, p.Arg1733His (NM_001409309.1); short protein forms R1838H, R2107H, R1853H, R1967H, R1816H, R1856H, R1733H.
Identifiers: ClinVar variation 864754 (VCV000864754.11), dbSNP rs1401142770, ClinGen allele CA362320344.